The following is an entry in ClinVar:

ClinVar aggregate classification (germline): Uncertain significance. Review status: criteria provided, multiple submitters, no conflicts (2 of 4 stars). 2 submissions from 2 submitters: Uncertain significance (2). Last evaluated 2024-05-29.

Conditions:
Bardet-Biedl syndrome 1 (BBS1). Identifiers: MedGen C2936862, MONDO:0008854, OMIM 209900. Disease mechanism: loss of function.
Bardet-Biedl syndrome 3 (BBS3). Identifiers: Orphanet 110, MedGen C1859564, MONDO:0010832, OMIM 600151.
Retinitis pigmentosa 55 (RP55). Identifiers: Orphanet 791, MedGen C3150808, MONDO:0013312, OMIM 613575.

Allele frequency attached by ClinVar (database versions not stated): gnomAD 0.00001.
gnomAD v4.1: 1 of 1,612,572 alleles (0.000062%); highest among the groups gnomAD compares: Non-Finnish European, 0.000085%; no homozygotes.

Submissions (2):

Fulgent Genetics
Classification: Uncertain significance for Bardet-Biedl syndrome 1; Bardet-Biedl syndrome 3; Retinitis pigmentosa 55. Last evaluated: 2024-05-29. Review status: criteria provided, single submitter. Criteria: ACMG Guidelines, 2015. Collection method: clinical testing. Allele origin: germline.

Labcorp Genetics (formerly Invitae), Labcorp
Classification: Uncertain significance for Retinitis pigmentosa 55; Bardet-Biedl syndrome 3. Last evaluated: 2021-01-30. Review status: criteria provided, single submitter. Criteria: Invitae Variant Classification Sherloc (09022015). Collection method: clinical testing. Allele origin: germline.
Comment: In summary, the available evidence is currently insufficient to determine the role of this variant in disease. Therefore, it has been classified as a Variant of Uncertain Significance. Algorithms developed to predict the effect of missense changes on protein structure and function are either unavailable or do not agree on the potential impact of this missense change (SIFT: "Deleterious"; PolyPhen-2: "Probably Damaging"; Align-GVGD: "Class C0"). This variant has not been reported in the literature in individuals with ARL6-related conditions. This variant is not present in population databases (ExAC no frequency). This sequence change replaces tryptophan with cysteine at codon 157 of the ARL6 protein (p.Trp157Cys). The tryptophan residue is highly conserved and there is a large physicochemical difference between tryptophan and cysteine.

NM_001278293.3(ARL6):c.471G>C (p.Trp157Cys)

Gene: ARL6 (ARF like GTPase 6; plus strand). Cytogenetic location: 3q11.2.
Variant type: single nucleotide variant.
Coding change: c.471G>C on transcript NM_001278293.3 (MANE Select); coding-DNA position 471, G replaced by C.
Protein change: p.Trp157Cys; replaces tryptophan 157 with cysteine.
Molecular consequence: missense variant. On other transcripts: non-coding transcript variant (7).
Genome position (GRCh38, 1-based): chr3:97,788,111, G>C. VCF-style: chr3-97788111-G-C. GRCh37 (hg19) VCF-style: chr3-97506955-G-C.
Other names: c.471G>C, p.Trp157Cys (NM_001323513.2, NM_001323514.2, NM_032146.5 and 1 more transcripts); short protein forms W157C.
Identifiers: ClinVar variation 1402368 (VCV001402368.7), dbSNP rs1559687672, ClinGen allele CA353588773.
Genomic context (GRCh38, chr3:97,788,111, plus strand): 5'-AGTGACATCTGTAAAAGTGTCTCAGTTGCTGTGTTTAGAGAACATCAAAGATAAACCCTG[G>C]CATATTTGGTAAAGTTTTATATTTACTTTTCACTGTAGCTTTCTGAAAAATATACAAGCT-3'
Protein context (NP_001265222.1, residues 147-167): LCLENIKDKP[Trp157Cys]HICASDAIKG